The following is an entry in ClinVar:

ClinVar aggregate classification (germline): Uncertain significance (1 of 4 stars; one submission).

Conditions:
Cardiovascular phenotype. Identifiers: MedGen CN230736.

Submission:

Ambry Genetics
Classification: Uncertain significance for Cardiovascular phenotype. Last evaluated: 2024-09-26. Review status: criteria provided, single submitter. Criteria: Ambry Variant Classification Scheme 2023. Collection method: clinical testing. Allele origin: germline.
Comment: The p.G218C variant (also known as c.652G>T), located in coding exon 3 of the APOE gene, results from a G to T substitution at nucleotide position 652. The glycine at codon 218 is replaced by cysteine, an amino acid with highly dissimilar properties. This variant has been reported in an individual in a dyslipidemia cohort, but clinical details were limited (Abou Khalil Y et al. Int J Mol Sci, 2022 May;23:[ePub ahead of print]). This amino acid position is poorly conserved in available vertebrate species. In addition, this alteration is predicted to be tolerated by in silico analysis. Based on the available evidence, the clinical significance of this variant remains unclear.

Literature cited by the submitters: PubMed 35628605.

NM_000041.4(APOE):c.652G>T (p.Gly218Cys)

Gene: APOE (apolipoprotein E; plus strand). Cytogenetic location: 19q13.32.
Variant type: single nucleotide variant.
Coding change: c.652G>T on transcript NM_000041.4 (MANE Select); coding-DNA position 652, G replaced by T.
Protein change: p.Gly218Cys; replaces glycine 218 with cysteine.
Molecular consequence: missense variant.
Genome position (GRCh38, 1-based): chr19:44,908,948, G>T. VCF-style: chr19-44908948-G-T. GRCh37 (hg19) VCF-style: chr19-45412205-G-T.
Other names: c.730G>T, p.Gly244Cys (NM_001302688.2); c.652G>T, p.Gly218Cys (NM_001302689.2, NM_001302690.2, NM_001302691.2); short protein forms G244C, G218C.
Identifiers: ClinVar variation 3417728 (VCV003417728.1).